The following is an entry in ClinVar:

ClinVar aggregate classification (germline): Uncertain significance (1 of 4 stars; one submission).

Conditions:
Brown-Vialetto-van Laere syndrome 1. Also called: BROWN-VIALETTO-VAN LAERE SYNDROME 1, MILD; BULBAR PALSY, PROGRESSIVE, WITH SENSORINEURAL DEAFNESS; PONTOBULBAR PALSY WITH DEAFNESS. Identifiers: Orphanet 572550, Orphanet 97229, MedGen C0796274, MONDO:0024537, OMIM 211530.

Submission:

Labcorp Genetics (formerly Invitae), Labcorp
Classification: Uncertain significance for Brown-Vialetto-van Laere syndrome 1. Last evaluated: 2022-04-03. Review status: criteria provided, single submitter. Criteria: Invitae Variant Classification Sherloc (09022015). Collection method: clinical testing. Allele origin: germline.
Comment: This sequence change replaces valine, which is neutral and non-polar, with glutamic acid, which is acidic and polar, at codon 118 of the SLC52A3 protein (p.Val118Glu). This variant is not present in population databases (gnomAD no frequency). This variant has not been reported in the literature in individuals affected with SLC52A3-related conditions. Algorithms developed to predict the effect of missense changes on protein structure and function are either unavailable or do not agree on the potential impact of this missense change (SIFT: "Deleterious"; PolyPhen-2: "Probably Damaging"; Align-GVGD: "Class C0"). In summary, the available evidence is currently insufficient to determine the role of this variant in disease. Therefore, it has been classified as a Variant of Uncertain Significance.

NM_033409.4(SLC52A3):c.353T>A (p.Val118Glu)

Gene: SLC52A3 (solute carrier family 52 member 3; minus strand). Cytogenetic location: 20p13.
Variant type: single nucleotide variant.
Coding change: c.353T>A on transcript NM_033409.4 (MANE Select); coding-DNA position 353, T replaced by A.
Protein change: p.Val118Glu; replaces valine 118 with glutamic acid.
Molecular consequence: missense variant.
Genome position (GRCh38, 1-based): chr20:765,422, A>T on the plus strand (T>A on the coding strand, the complement: SLC52A3 is on the minus strand). VCF-style: chr20-765422-A-T. GRCh37 (hg19) VCF-style: chr20-746066-A-T.
Other names: c.353T>A, p.Val118Glu (NM_001370085.1, NM_001370086.1); short protein forms V118E.
Identifiers: ClinVar variation 2121044 (VCV002121044.4), dbSNP rs2514852216, ClinGen allele CA407964014.